The following is an entry in ClinVar:

ClinVar aggregate classification (germline): Likely pathogenic (1 of 4 stars; one submission).

Conditions:
DICER1-related tumor predisposition. Also called: DICER1 syndrome; DICER1-related pleuropulmonary blastoma cancer predisposition syndrome. Identifiers: Orphanet 284343, MedGen C3839822, MONDO:0100216.

Submission:

Labcorp Genetics (formerly Invitae), Labcorp
Classification: Likely pathogenic for DICER1-related tumor predisposition. Last evaluated: 2024-02-28. Review status: criteria provided, single submitter. Criteria: Invitae Variant Classification Sherloc (09022015). Collection method: clinical testing. Allele origin: germline.
Comment: This sequence change affects an acceptor splice site in intron 22 of the DICER1 gene. It is expected to disrupt RNA splicing. Variants that disrupt the donor or acceptor splice site typically lead to a loss of protein function (PMID: 16199547), and loss-of-function variants in DICER1 are known to be pathogenic (PMID: 19556464, 21266384). This variant is not present in population databases (gnomAD no frequency). This variant has not been reported in the literature in individuals affected with DICER1-related conditions. Algorithms developed to predict the effect of sequence changes on RNA splicing suggest that this variant may disrupt the consensus splice site. In summary, the currently available evidence indicates that the variant is pathogenic, but additional data are needed to prove that conclusively. Therefore, this variant has been classified as Likely Pathogenic.

Literature cited by the submitters: PubMed 16199547; PubMed 19556464; PubMed 21266384.

NM_177438.3(DICER1):c.4207-1G>C

Gene: DICER1 (dicer 1, ribonuclease III; minus strand). Cytogenetic location: 14q32.13.
Variant type: single nucleotide variant.
Coding change: c.4207-1G>C on transcript NM_177438.3 (MANE Select); the canonical splice acceptor site of the intron before coding-DNA position 4207, G replaced by C.
Molecular consequence: splice acceptor variant.
Genome position (GRCh38, 1-based): chr14:95,096,714, C>G on the plus strand (G>C on the coding strand, the complement: DICER1 is on the minus strand). VCF-style: chr14-95096714-C-G. GRCh37 (hg19) VCF-style: chr14-95563051-C-G.
Other names: c.4207-1G>C (NM_001291628.2, NM_030621.4, NM_001395677.1 and 12 more transcripts); c.3802-1G>C (NM_001395690.1, NM_001395687.1, NM_001395689.1 and 2 more transcripts); c.3925-1G>C (NM_001395686.1); c.3640-1G>C (NM_001395691.1); c.2524-1G>C (NM_001395697.1).
Identifiers: ClinVar variation 3643605 (VCV003643605.2).
Genomic context (GRCh38, chr14:95,096,714, plus strand): 5'-CTCATCCTCCTCCTCGTAATCCTCATCCAGTTTGCCATTCGCCAGCATGCAGTCTTTTGT[C>G]TGAAACGAGGGGGAATGGGGAAGGAGGGGAAACATAGCTGCTGTTTTTAAAAGGGTTTGA-3'